The following is an entry in ClinVar:

NM_020699.4(GATAD2B):c.1091del (p.Leu364fs)

Gene: GATAD2B (GATA zinc finger domain containing 2B; minus strand). Cytogenetic location: 1q21.3.
Variant type: Deletion.
Coding change: c.1091del on transcript NM_020699.4 (MANE Select); coding-DNA position 1091, one base deleted (T; older notation c.1091delT).
Protein change: p.Leu364fs; shifts the reading frame from leucine 364.
Molecular consequence: frameshift variant.
Genome position (GRCh38, 1-based): chr1:153,816,398, A deleted on the plus strand (T on the coding strand, the reverse complement: GATAD2B is on the minus strand). VCF-style (leftmost placement, unchanged base first): chr1-153816397-GA-G. GRCh37 (hg19) VCF-style: chr1-153788873-GA-G.
Other names: short protein forms L364fs.
Identifiers: ClinVar variation 3519121 (VCV003519121.1).

ClinVar aggregate classification (germline): Pathogenic (1 of 4 stars; one submission).

Conditions:
Inborn genetic diseases. Identifiers: MedGen C0950123, MeSH D030342.

Submission:

Ambry Genetics
Classification: Pathogenic for Inborn genetic diseases. Last evaluated: 2024-07-18. Review status: criteria provided, single submitter. Criteria: Ambry Variant Classification Scheme 2023. Collection method: clinical testing. Allele origin: germline.
Comment: The c.1091delT (p.L364Pfs*29) alteration, located in exon 7 (coding exon 6) of the GATAD2B gene, consists of a deletion of one nucleotide at position 1091, causing a translational frameshift with a predicted alternate stop codon after 29 amino acids. This alteration is expected to result in loss of function by premature protein truncation or nonsense-mediated mRNA decay. This variant was not reported in population-based cohorts in the Genome Aggregation Database (gnomAD). Based on the available evidence, this alteration is classified as pathogenic.